The following is an entry in ClinVar:

NM_004928.3(CFAP410):c.395C>T (p.Ser132Phe)

Gene: CFAP410 (cilia and flagella associated protein 410; minus strand). Cytogenetic location: 21q22.3.
Variant type: single nucleotide variant.
Coding change: c.395C>T on transcript NM_004928.3 (MANE Select); coding-DNA position 395, C replaced by T.
Protein change: p.Ser132Phe; replaces serine 132 with phenylalanine.
Molecular consequence: missense variant.
Genome position (GRCh38, 1-based): chr21:44,331,993, G>A on the plus strand (C>T on the coding strand, the complement: CFAP410 is on the minus strand). VCF-style: chr21-44331993-G-A. GRCh37 (hg19) VCF-style: chr21-45751876-G-A.
Other names: c.395C>T, p.Ser132Phe (NM_001271440.2, NM_001271441.2); c.272C>T, p.Ser91Phe (NM_001271442.1); short protein forms S91F, S132F.
Identifiers: ClinVar variation 1499960 (VCV001499960.8), dbSNP rs2146062735, ClinGen allele CA410454904.

ClinVar aggregate classification (germline): Uncertain significance (1 of 4 stars; one submission).

Submission:

Labcorp Genetics (formerly Invitae), Labcorp
Classification: Uncertain significance. Last evaluated: 2021-01-03. Review status: criteria provided, single submitter. Criteria: Invitae Variant Classification Sherloc (09022015). Collection method: clinical testing. Allele origin: germline.
Comment: This variant is not present in population databases (ExAC no frequency). This sequence change replaces serine with phenylalanine at codon 132 of the CFAP410 protein (p.Ser132Phe). The serine residue is weakly conserved and there is a large physicochemical difference between serine and phenylalanine. This variant has not been reported in the literature in individuals with CFAP410-related conditions. Algorithms developed to predict the effect of missense changes on protein structure and function are either unavailable or do not agree on the potential impact of this missense change (SIFT: "Deleterious"; PolyPhen-2: "Possibly Damaging"; Align-GVGD: "Class C0"). In summary, the available evidence is currently insufficient to determine the role of this variant in disease. Therefore, it has been classified as a Variant of Uncertain Significance.